The following is an entry in ClinVar:

ClinVar aggregate classification (germline): Uncertain significance (1 of 4 stars; one submission).

Allele frequency attached by ClinVar (database versions not stated): ExAC 0.00001.
gnomAD v4.1: 3 of 1,612,334 alleles (0.00019%); highest among the groups gnomAD compares: Admixed American, 0.005%; no homozygotes.

Submission:

Labcorp Genetics (formerly Invitae), Labcorp
Classification: Uncertain significance. Last evaluated: 2025-09-24. Review status: criteria provided, single submitter. Criteria: Invitae Variant Classification Sherloc (09022015). Collection method: clinical testing. Allele origin: germline.
Comment: This sequence change replaces methionine, which is neutral and non-polar, with arginine, which is basic and polar, at codon 865 of the PLEKHM2 protein (p.Met865Arg). This variant is present in population databases (rs745583218, gnomAD 0.006%). This variant has not been reported in the literature in individuals affected with PLEKHM2-related conditions. ClinVar contains an entry for this variant (Variation ID: 2194308). An algorithm developed to predict the effect of missense changes on protein structure and function (PolyPhen-2) suggests that this variant is likely to be disruptive. In summary, the available evidence is currently insufficient to determine the role of this variant in disease. Therefore, it has been classified as a Variant of Uncertain Significance.

NM_015164.4(PLEKHM2):c.2594T>G (p.Met865Arg)

Gene: PLEKHM2 (pleckstrin homology and RUN domain containing M2; plus strand). Cytogenetic location: 1p36.21.
Variant type: single nucleotide variant.
Coding change: c.2594T>G on transcript NM_015164.4 (MANE Select); coding-DNA position 2594, T replaced by G.
Protein change: p.Met865Arg; replaces methionine 865 with arginine.
Molecular consequence: missense variant.
Genome position (GRCh38, 1-based): chr1:15,732,017, T>G. VCF-style: chr1-15732017-T-G. GRCh37 (hg19) VCF-style: chr1-16058512-T-G.
Other names: c.2534T>G, p.Met845Arg (NM_001410755.1); short protein forms M845R, M865R.
Identifiers: ClinVar variation 2194308 (VCV002194308.4), dbSNP rs745583218, ClinGen allele CA617304.
Genomic context (GRCh38, chr1:15,732,017, plus strand): 5'-TCTCCGACCGGCCCTGCCTGGAGCTAAGTGCCGAGAGCGAGGCCGAGATGGCCGAGTGGA[T>G]GCAGCATCTCTGCCAGGCTGTGTCCAAAGGGGTGAGCTTCGCCTGCCCCTACCGCTCACC-3'
Protein context (NP_055979.2, residues 855-875): AESEAEMAEW[Met865Arg]QHLCQAVSKG